The following is an entry in ClinVar:

NM_001845.6(COL4A1):c.1612C>T (p.Arg538Trp)

Gene: COL4A1 (collagen type IV alpha 1 chain; minus strand). Cytogenetic location: 13q34.
Variant type: single nucleotide variant.
Coding change: c.1612C>T on transcript NM_001845.6 (MANE Select); coding-DNA position 1612, C replaced by T.
Protein change: p.Arg538Trp; replaces arginine 538 with tryptophan.
Molecular consequence: missense variant.
Genome position (GRCh38, 1-based): chr13:110,187,254, G>A on the plus strand (C>T on the coding strand, the complement: COL4A1 is on the minus strand). VCF-style: chr13-110187254-G-A. GRCh37 (hg19) VCF-style: chr13-110839601-G-A.
Other names: short protein forms R538W.
Identifiers: ClinVar variation 1348007 (VCV001348007.32), dbSNP rs397514624, ClinGen allele CA7047870.

ClinVar aggregate classification (germline): Uncertain significance. Review status: criteria provided, multiple submitters, no conflicts (2 of 4 stars). 4 submissions from 4 submitters: Uncertain significance (4). Last evaluated 2026-01-06.

Conditions:
Autosomal dominant familial hematuria-retinal arteriolar tortuosity-contractures syndrome. Also called: Hereditary Angiopathy with Nephropathy, Aneurysms, and Muscle Cramps (HANAC) Syndrome; Angiopathy, hereditary, with nephropathy, aneurysms, and muscle cramps. Identifiers: Orphanet 73229, MedGen C2673195, MONDO:0012726, OMIM 611773.
Hemorrhage, intracerebral, susceptibility to (ICH). Also called: Stroke, hemorrhagic, susceptibility to. Identifiers: MedGen C3281105, MONDO:0100533, OMIM 614519.
Retinal arterial tortuosity. Also called: RETINAL HEMORRHAGE WITH VASCULAR TORTUOSITY; Retinal arteries, tortuosity of. Identifiers: Orphanet 75326, MedGen C0423401, MONDO:0008373, OMIM 180000, HP:0000631.
Brain small vessel disease 1 with or without ocular anomalies (BSVD1). Also called: Brain small vessel disease with or without ocular anomalies; PORENCEPHALY, TYPE 1, AUTOSOMAL DOMINANT; BRAIN SMALL VESSEL DISEASE WITH HEMORRHAGE; GOULD SYNDROME 1. Identifiers: Orphanet 2940, Orphanet 36383, Orphanet 99810, MedGen C4755307, MONDO:0008289, OMIM 175780.
Microangiopathy and leukoencephalopathy, pontine, autosomal dominant. Also called: DEMENTIA, HEREDITARY MULTI-INFARCT, SWEDISH TYPE; Pontine autosomal dominant microangiopathy with leukoencephalopathy. Identifiers: Orphanet 477749, MedGen C5231411, MONDO:0032814, OMIM 618564.

Allele frequency attached by ClinVar (database versions not stated): ExAC 0.00001; TOPMed 0.00002.

Submissions (4):

Labcorp Genetics (formerly Invitae), Labcorp
Classification: Uncertain significance. Last evaluated: 2026-01-06. Review status: criteria provided, single submitter. Criteria: Invitae Variant Classification Sherloc (09022015). Collection method: clinical testing. Allele origin: germline.
Comment: This sequence change replaces arginine, which is basic and polar, with tryptophan, which is neutral and slightly polar, at codon 538 of the COL4A1 protein (p.Arg538Trp). This variant is present in population databases (rs397514624, gnomAD 0.006%). This variant has not been reported in the literature in individuals affected with COL4A1-related conditions. ClinVar contains an entry for this variant (Variation ID: 1348007). Invitae Evidence Modeling of protein sequence and biophysical properties (such as structural, functional, and spatial information, amino acid conservation, physicochemical variation, residue mobility, and thermodynamic stability) indicates that this missense variant is not expected to disrupt COL4A1 protein function with a negative predictive value of 95%. In summary, the available evidence is currently insufficient to determine the role of this variant in disease. Therefore, it has been classified as a Variant of Uncertain Significance.

Fulgent Genetics
Classification: Uncertain significance for Brain small vessel disease 1 with or without ocular anomalies; Retinal arterial tortuosity; Autosomal dominant familial hematuria-retinal arteriolar tortuosity-contractures syndrome; Hemorrhage, intracerebral, susceptibility to; Microangiopathy and leukoencephalopathy, pontine, autosomal dominant. Last evaluated: 2024-06-15. Review status: criteria provided, single submitter. Criteria: ACMG Guidelines, 2015. Collection method: clinical testing. Allele origin: germline.

HudsonAlpha Institute for Biotechnology
Classification: Uncertain significance for Autosomal dominant familial hematuria-retinal arteriolar tortuosity-contractures syndrome. Last evaluated: 2023-06-22. Review status: criteria provided, single submitter. Criteria: ACMG Guidelines, 2015. Collection method: research. Allele origin: unknown. Observed: 1 variant allele. Study: HudsonAlpha-AGHI-WGS.

CeGaT Center for Human Genetics Tuebingen
Classification: Uncertain significance. Last evaluated: 2022-08-01. Review status: criteria provided, single submitter. Criteria: CeGaT Center For Human Genetics Tuebingen Variant Classification Criteria Version 2. Collection method: clinical testing. Allele origin: germline. Affected: yes. Observed: 1 variant allele.
Comment: COL4A1: PM2